The following is an entry in ClinVar:

NM_005765.3(ATP6AP2):c.189C>T (p.Leu63=)

Gene: ATP6AP2 (ATPase H+ transporting accessory protein 2; plus strand). Cytogenetic location: Xp11.4.
Variant type: single nucleotide variant.
Coding change: c.189C>T on transcript NM_005765.3 (MANE Select); coding-DNA position 189, C replaced by T.
Protein change: p.Leu63=; no amino-acid change (leucine 63 retained).
Molecular consequence: synonymous variant.
Genome position (GRCh38, 1-based): chrX:40,591,254, C>T. VCF-style: chrX-40591254-C-T. GRCh37 (hg19) VCF-style: chrX-40450506-C-T.
Other names: p.L63L:CTC>CTT.
Identifiers: ClinVar variation 136463 (VCV000136463.21), dbSNP rs150392503, ClinGen allele CA289598.

ClinVar aggregate classification (germline): Benign/Likely benign. Review status: criteria provided, multiple submitters, no conflicts (2 of 4 stars). 9 submissions from 9 submitters: Benign (4); Likely benign (3). 2 of the submissions do not count toward it. Last evaluated 2026-01-27.

Conditions:
History of neurodevelopmental disorder. Identifiers: MedGen C2711754.
Intellectual developmental disorder, X-linked, syndromic, Hedera type. Also called: Syndromic X-linked intellectual disability Hedera type. Identifiers: Orphanet 93952, MedGen C1845543, MONDO:0010319, OMIM 300423.

Allele frequency attached by ClinVar (database versions not stated): gnomAD exomes 0.00029 and 0.00064; ExAC 0.00088; 1000 Genomes Project 30x 0.00187; gnomAD 0.00230 and 0.00253; 1000 Genomes Project 0.00238; ESP Exome Variant Server 0.00265; TOPMed 0.00282.

Submissions (9):

Labcorp Genetics (formerly Invitae), Labcorp
Classification: Benign for Intellectual developmental disorder, X-linked, syndromic, Hedera type. Last evaluated: 2026-01-27. Review status: criteria provided, single submitter. Criteria: Invitae Variant Classification Sherloc (09022015). Collection method: clinical testing. Allele origin: germline.

Blueprint Genetics
Classification: Likely benign. Last evaluated: 2024-11-21. Review status: criteria provided, single submitter. Criteria: ACMG Guidelines, 2015. Collection method: clinical testing. Allele origin: germline.

Eurofins Ntd Llc (ga)
Classification: Benign. Last evaluated: 2017-01-26. Review status: criteria provided, single submitter. Criteria: EGL Classification Definitions 2015. Collection method: clinical testing. Allele origin: germline. Observed: 1 variant allele, 1 heterozygote.

Athena Diagnostics
Classification: Benign. Last evaluated: 2016-10-18. Review status: criteria provided, single submitter. Criteria: Athena Diagnostics Criteria. Collection method: clinical testing. Allele origin: germline.

GeneDx
Classification: Benign. Last evaluated: 2013-12-09. Review status: criteria provided, single submitter. Criteria: GeneDx Variant Classification (06012015). Collection method: clinical testing. Allele origin: germline. Affected: yes.
Comment: This variant is considered likely benign or benign based on one or more of the following criteria: it is a conservative change, it occurs at a poorly conserved position in the protein, it is predicted to be benign by multiple in silico algorithms, and/or has population frequency not consistent with disease.

Ambry Genetics
Classification: Likely benign for History of neurodevelopmental disorder. Last evaluated: 2012-10-04. Review status: criteria provided, single submitter. Criteria: Ambry Autosomal Dominant and X-Linked criteria (10/2015). Collection method: clinical testing. Allele origin: germline. Observed: 1 variant allele.

Breakthrough Genomics
Classification: Likely benign. Review status: criteria provided, single submitter. Criteria: ACMG Guidelines, 2015. Collection method: not provided. Allele origin: germline. Inheritance: X-linked inheritance. Affected: yes.

Clinical Genetics DNA and cytogenetics Diagnostics Lab, Erasmus MC, Erasmus Medical Center
Classification: Likely benign. Review status: no assertion criteria provided. Collection method: clinical testing. Allele origin: germline. Affected: yes. Study: VKGL Data-share Consensus. Not counted in ClinVar's aggregate classification.

Genome Diagnostics Laboratory, University Medical Center Utrecht
Classification: Likely benign. Review status: no assertion criteria provided. Collection method: clinical testing. Allele origin: germline. Affected: yes. Study: VKGL Data-share Consensus. Not counted in ClinVar's aggregate classification.